The following is an entry in ClinVar:

NM_005585.5(SMAD6):c.16C>T (p.Arg6Cys)

Gene: SMAD6 (SMAD family member 6; plus strand). Cytogenetic location: 15q22.31.
Variant type: single nucleotide variant.
Coding change: c.16C>T on transcript NM_005585.5 (MANE Select); coding-DNA position 16, C replaced by T.
Protein change: p.Arg6Cys; replaces arginine 6 with cysteine.
Molecular consequence: missense variant. On other transcripts: non-coding transcript variant (1).
Genome position (GRCh38, 1-based): chr15:66,703,274, C>T. VCF-style: chr15-66703274-C-T. GRCh37 (hg19) VCF-style: chr15-66995612-C-T.
Other names: short protein forms R6C.
Identifiers: ClinVar variation 1198256 (VCV001198256.5), dbSNP rs762143900, ClinGen allele CA392948271.

ClinVar aggregate classification (germline): Uncertain significance. Review status: criteria provided, multiple submitters, no conflicts (2 of 4 stars). 2 submissions from 2 submitters: Uncertain significance (2). Last evaluated 2024-01-06.

Conditions:
Aortic valve disease 2 (AOVD2). Identifiers: MedGen C3542024, MONDO:0013902, OMIM 614823.

gnomAD v4.1: 4 of 1,481,810 alleles (0.00027%); highest among the groups gnomAD compares: South Asian, 0.0013%; no homozygotes.

Submissions (2):

Labcorp Genetics (formerly Invitae), Labcorp
Classification: Uncertain significance for Aortic valve disease 2. Last evaluated: 2024-01-06. Review status: criteria provided, single submitter. Criteria: Invitae Variant Classification Sherloc (09022015). Collection method: clinical testing. Allele origin: germline.
Comment: This sequence change replaces arginine, which is basic and polar, with cysteine, which is neutral and slightly polar, at codon 6 of the SMAD6 protein (p.Arg6Cys). This variant is not present in population databases (gnomAD no frequency). This variant has not been reported in the literature in individuals affected with SMAD6-related conditions. ClinVar contains an entry for this variant (Variation ID: 1198256). An algorithm developed to predict the effect of missense changes on protein structure and function (PolyPhen-2) suggests that this variant is likely to be disruptive. In summary, the available evidence is currently insufficient to determine the role of this variant in disease. Therefore, it has been classified as a Variant of Uncertain Significance.

GeneDx
Classification: Uncertain significance. Last evaluated: 2019-10-04. Review status: criteria provided, single submitter. Criteria: GeneDx Variant Classification Process June 2021. Collection method: clinical testing. Allele origin: germline. Affected: yes.
Comment: Not observed in large population cohorts (Lek et al., 2016); In silico analysis, which includes protein predictors and evolutionary conservation, supports a deleterious effect; Has not been previously published as pathogenic or benign to our knowledge